The following is an entry in ClinVar:

NM_207581.4(DUOXA2):c.340+1G>A

Gene: DUOXA2 (dual oxidase maturation factor 2; plus strand). Cytogenetic location: 15q21.1.
Variant type: single nucleotide variant.
Coding change: c.340+1G>A on transcript NM_207581.4 (MANE Select); the canonical splice donor site of the intron after coding-DNA position 340, G replaced by A.
Molecular consequence: splice donor variant.
Genome position (GRCh38, 1-based): chr15:45,116,259, G>A. VCF-style: chr15-45116259-G-A. GRCh37 (hg19) VCF-style: chr15-45408457-G-A.
Identifiers: ClinVar variation 3577211 (VCV003577211.2).

ClinVar aggregate classification (germline): Likely pathogenic. Review status: criteria provided, multiple submitters, no conflicts (2 of 4 stars). 2 submissions from 2 submitters: Likely pathogenic (2). Last evaluated 2025-12-08.

Conditions:
Thyroglobulin synthesis defect (TDH5). Also called: Thyroid dyshormonogenesis 5; HYPOTHYROIDISM, CONGENITAL, DUE TO DYSHORMONOGENESIS, 5; THYROID HORMONOGENESIS, GENETIC DEFECT IN, 5. Identifiers: Orphanet 95716, MedGen C0342196, MONDO:0010137, OMIM 274900.

gnomAD v4.1: 12 of 1,613,828 alleles (0.00074%); highest among the groups gnomAD compares: African/African-American, 0.015%; no homozygotes.

Submissions (2):

Labcorp Genetics (formerly Invitae), Labcorp
Classification: Likely pathogenic. Last evaluated: 2025-12-08. Review status: criteria provided, single submitter. Criteria: Invitae Variant Classification Sherloc (09022015). Collection method: clinical testing. Allele origin: germline.
Comment: This sequence change affects a donor splice site in intron 3 of the DUOXA2 gene. It is expected to disrupt RNA splicing. Variants that disrupt the donor or acceptor splice site typically lead to a loss of protein function (PMID: 16199547), and loss-of-function variants in DUOXA2 are known to be pathogenic (PMID: 18042646, 21367925, 23292166, 25675383, 26709262). This variant is present in population databases (rs367768127, gnomAD 0.02%). This variant has not been reported in the literature in individuals affected with DUOXA2-related conditions. ClinVar contains an entry for this variant (Variation ID: 3577211). Algorithms developed to predict the effect of sequence changes on RNA splicing suggest that this variant may disrupt the consensus splice site. In summary, the currently available evidence indicates that the variant is pathogenic, but additional data are needed to prove that conclusively. Therefore, this variant has been classified as Likely Pathogenic.

Fulgent Genetics
Classification: Likely pathogenic for Thyroglobulin synthesis defect. Last evaluated: 2024-04-06. Review status: criteria provided, single submitter. Criteria: ACMG Guidelines, 2015. Collection method: clinical testing. Allele origin: germline.

Literature cited by the submitters: PubMed 16199547 (cited by Labcorp Genetics (formerly Invitae), Labcorp); PubMed 18042646 (cited by Labcorp Genetics (formerly Invitae), Labcorp); PubMed 21367925 (cited by Labcorp Genetics (formerly Invitae), Labcorp); PubMed 23292166 (cited by Labcorp Genetics (formerly Invitae), Labcorp); PubMed 25675383 (cited by Labcorp Genetics (formerly Invitae), Labcorp); PubMed 26709262 (cited by Labcorp Genetics (formerly Invitae), Labcorp).